The following is an entry in ClinVar:

NM_024675.4(PALB2):c.2785T>C (p.Tyr929His)

Gene: PALB2 (partner and localizer of BRCA2; minus strand). Cytogenetic location: 16p12.2.
Variant type: single nucleotide variant.
Coding change: c.2785T>C on transcript NM_024675.4 (MANE Select); coding-DNA position 2785, T replaced by C.
Protein change: p.Tyr929His; replaces tyrosine 929 with histidine.
Molecular consequence: missense variant.
Genome position (GRCh38, 1-based): chr16:23,624,058, A>G on the plus strand (T>C on the coding strand, the complement: PALB2 is on the minus strand). VCF-style: chr16-23624058-A-G. GRCh37 (hg19) VCF-style: chr16-23635379-A-G.
Other names: short protein forms Y929H.
Identifiers: ClinVar variation 1402534 (VCV001402534.11), dbSNP rs1966826141, ClinGen allele CA395145077.

ClinVar aggregate classification (germline): Uncertain significance. Review status: criteria provided, multiple submitters, no conflicts (2 of 4 stars). 2 submissions from 2 submitters: Uncertain significance (2). Last evaluated 2021-10-14.

Conditions:
Hereditary cancer-predisposing syndrome. Also called: Hereditary neoplastic syndrome; Hereditary Cancer Syndrome; Neoplastic Syndromes, Hereditary; Tumor predisposition. Identifiers: Orphanet 140162, MedGen C0027672, MeSH D009386, MONDO:0015356.
Familial cancer of breast. Also called: hereditary breast carcinoma; BREAST CANCER, FAMILIAL; Hereditary breast cancer. Identifiers: Orphanet 227535, MedGen C0346153, MONDO:0016419, OMIM 114480. Disease mechanism: loss of function.

Submissions (2):

Ambry Genetics
Classification: Uncertain significance for Hereditary cancer-predisposing syndrome. Last evaluated: 2021-10-14. Review status: criteria provided, single submitter. Criteria: Ambry Variant Classification Scheme 2023. Collection method: clinical testing. Allele origin: germline.
Comment: The p.Y929H variant (also known as c.2785T>C), located in coding exon 8 of the PALB2 gene, results from a T to C substitution at nucleotide position 2785. The tyrosine at codon 929 is replaced by histidine, an amino acid with similar properties. This amino acid position is conserved. In addition, this alteration is predicted to be tolerated by in silico analysis. Since supporting evidence is limited at this time, the clinical significance of this alteration remains unclear.

Labcorp Genetics (formerly Invitae), Labcorp
Classification: Uncertain significance for Familial cancer of breast. Last evaluated: 2021-04-26. Review status: criteria provided, single submitter. Criteria: Invitae Variant Classification Sherloc (09022015). Collection method: clinical testing. Allele origin: germline.
Comment: In summary, the available evidence is currently insufficient to determine the role of this variant in disease. Therefore, it has been classified as a Variant of Uncertain Significance. Algorithms developed to predict the effect of missense changes on protein structure and function (SIFT, PolyPhen-2, Align-GVGD) all suggest that this variant is likely to be tolerated, but these predictions have not been confirmed by published functional studies and their clinical significance is uncertain. This variant has not been reported in the literature in individuals with PALB2-related conditions. This variant is not present in population databases (ExAC no frequency). This sequence change replaces tyrosine with histidine at codon 929 of the PALB2 protein (p.Tyr929His). The tyrosine residue is moderately conserved and there is a moderate physicochemical difference between tyrosine and histidine.